The following is an entry in ClinVar:

NM_001126108.2(SLC12A3):c.427del (p.Val142_Met143insTer)

Gene: SLC12A3 (solute carrier family 12 member 3; plus strand). Cytogenetic location: 16q13.
Variant type: Deletion.
Coding change: c.427del on transcript NM_001126108.2 (MANE Select); coding-DNA position 427, one base deleted (A; older notation c.427delA).
Protein change: p.Val142_Met143insTer.
Molecular consequence: nonsense.
Genome position (GRCh38, 1-based): chr16:56,867,214, A deleted. VCF-style (leftmost placement, unchanged base first): chr16-56867213-GA-G. GRCh37 (hg19) VCF-style: chr16-56901125-GA-G.
Other names: c.427del, p.Val142_Met143insTer (NM_000339.3); c.424del, p.Val141_Met142insTer (NM_001126107.2, NM_001410896.1).
Identifiers: ClinVar variation 4531614 (VCV004531614.2).

ClinVar aggregate classification (germline): Pathogenic (1 of 4 stars; one submission).

Conditions:
Familial hypokalemia-hypomagnesemia (GTLMNS). Also called: HYPOMAGNESEMIA-HYPOKALEMIA, PRIMARY RENOTUBULAR, WITH HYPOCALCIURIA; POTASSIUM AND MAGNESIUM DEPLETION; gitelman syndrome. Identifiers: Orphanet 358, MedGen C0268450, MONDO:0009904, OMIM 263800.

Submission:

Victorian Clinical Genetics Services, Murdoch Childrens Research Institute
Classification: Pathogenic for Familial hypokalemia-hypomagnesemia. Last evaluated: 2025-04-01. Review status: criteria provided, single submitter. Criteria: ACMG Guidelines, 2015. Collection method: clinical testing. Allele origin: germline. Affected: yes.
Comment: This variant is classified as Pathogenic. Evidence in support of pathogenic classification: Variant is predicted to cause nonsense-mediated decay (NMD) and loss of protein (premature termination codon is located at least 54 nucleotides upstream of the final exon-exon junction); Variant is present in gnomAD <0.01 for a recessive condition (v4: 2 heterozygote(s), 0 homozygote(s)); Other NMD-predicted variant(s) comparable to the one identified in this case have very strong previous evidence for pathogenicity (DECIPHER). Additional information: This variant is heterozygous; This gene is associated with autosomal recessive disease; Loss of function is a known mechanism of disease in this gene and is associated with Gitelman syndrome (MIM#263800); Inheritance information for this variant is not currently available in this individual.